The following is an entry in ClinVar:

ClinVar aggregate classification (germline): Uncertain significance (1 of 4 stars; one submission).

Conditions:
Glanzmann thrombasthenia. Also called: Glanzmann's thrombasthenia; BLEEDING DISORDER, PLATELET-TYPE, 2; THROMBASTHENIA OF GLANZMANN AND NAEGELI; Thrombasthenia; PLATELET GLYCOPROTEIN IIb-IIIa DEFICIENCY. Identifiers: Orphanet 849, MedGen C0040015, MONDO:0100326.

Allele frequency attached by ClinVar (database versions not stated): gnomAD exomes below 0.00001; gnomAD 0.00001; TOPMed 0.00002.
gnomAD v4.1: 7 of 1,549,072 alleles (0.00045%); highest among the groups gnomAD compares: Non-Finnish European, 0.00061%; no homozygotes.

Submission:

Labcorp Genetics (formerly Invitae), Labcorp
Classification: Uncertain significance for Glanzmann thrombasthenia. Last evaluated: 2023-07-29. Review status: criteria provided, single submitter. Criteria: Invitae Variant Classification Sherloc (09022015). Collection method: clinical testing. Allele origin: germline.
Comment: In summary, the available evidence is currently insufficient to determine the role of this variant in disease. Therefore, it has been classified as a Variant of Uncertain Significance. Advanced modeling of protein sequence and biophysical properties (such as structural, functional, and spatial information, amino acid conservation, physicochemical variation, residue mobility, and thermodynamic stability) performed at Invitae indicates that this missense variant is not expected to disrupt ITGA2B protein function. This variant has not been reported in the literature in individuals affected with ITGA2B-related conditions. This variant is not present in population databases (gnomAD no frequency). This sequence change replaces cysteine, which is neutral and slightly polar, with tyrosine, which is neutral and polar, at codon 916 of the ITGA2B protein (p.Cys916Tyr).

NM_000419.5(ITGA2B):c.2747G>A (p.Cys916Tyr)

Gene: ITGA2B (integrin subunit alpha 2b; minus strand). Cytogenetic location: 17q21.31.
Variant type: single nucleotide variant.
Coding change: c.2747G>A on transcript NM_000419.5 (MANE Select); coding-DNA position 2747, G replaced by A.
Protein change: p.Cys916Tyr; replaces cysteine 916 with tyrosine.
Molecular consequence: missense variant.
Genome position (GRCh38, 1-based): chr17:44,375,092, C>T on the plus strand (G>A on the coding strand, the complement: ITGA2B is on the minus strand). VCF-style: chr17-44375092-C-T. GRCh37 (hg19) VCF-style: chr17-42452460-C-T.
Other names: short protein forms C916Y.
Identifiers: ClinVar variation 2886851 (VCV002886851.3), dbSNP rs1393566865, ClinGen allele CA399792248.
Genomic context (GRCh38, chr17:44,375,092, plus strand): 5'-ACCGTGACCATGGCCCGCTGCCCGCGCGCCATCTCCTGCAGGTCACACTGCACCACAGTA[C>T]AGGGCGCCGAGTCGCAGCTCTGAGGGGAAGCATCGTCAGTCCCCAGCCCGTCCCGGCCCA-3'
Protein context (NP_000410.2, residues 906-926): PVLVSCDSAP[Cys916Tyr]TVVQCDLQEM